The following is an entry in ClinVar:

NM_001130144.3(LTBP3):c.1586C>T (p.Pro529Leu)

Gene: LTBP3 (latent transforming growth factor beta binding protein 3; minus strand). Cytogenetic location: 11q13.1.
Variant type: single nucleotide variant.
Coding change: c.1586C>T on transcript NM_001130144.3 (MANE Select); coding-DNA position 1586, C replaced by T.
Protein change: p.Pro529Leu; replaces proline 529 with leucine.
Molecular consequence: missense variant.
Genome position (GRCh38, 1-based): chr11:65,551,437, G>A on the plus strand (C>T on the coding strand, the complement: LTBP3 is on the minus strand). VCF-style: chr11-65551437-G-A. GRCh37 (hg19) VCF-style: chr11-65318908-G-A.
Other names: c.1235C>T, p.Pro412Leu (NM_001164266.1); c.1586C>T, p.Pro529Leu (NM_021070.4); short protein forms P529L, P412L.
Identifiers: ClinVar variation 2884206 (VCV002884206.3), dbSNP rs747664109, ClinGen allele CA6100924.

ClinVar aggregate classification (germline): Uncertain significance (1 of 4 stars; one submission).

Conditions:
Brachyolmia-amelogenesis imperfecta syndrome. Also called: PLATYSPONDYLY WITH AMELOGENESIS IMPERFECTA; Tooth agenesis, selective, 6; Dental anomalies and short stature. Identifiers: Orphanet 2899, MedGen C1832594, MONDO:0011018, OMIM 601216. Disease mechanism: loss of function.

Allele frequency attached by ClinVar (database versions not stated): TOPMed 0.00001; gnomAD 0.00001; ExAC 0.00002; gnomAD exomes below 0.00001.
gnomAD v4.1: 9 of 1,613,776 alleles (0.00056%); no homozygotes.

Submission:

Labcorp Genetics (formerly Invitae), Labcorp
Classification: Uncertain significance for Brachyolmia-amelogenesis imperfecta syndrome. Last evaluated: 2025-11-20. Review status: criteria provided, single submitter. Criteria: Invitae Variant Classification Sherloc (09022015). Collection method: clinical testing. Allele origin: germline.
Comment: This sequence change replaces proline, which is neutral and non-polar, with leucine, which is neutral and non-polar, at codon 529 of the LTBP3 protein (p.Pro529Leu). This variant is present in population databases (rs747664109, gnomAD 0.02%). This variant has not been reported in the literature in individuals affected with LTBP3-related conditions. ClinVar contains an entry for this variant (Variation ID: 2884206). An algorithm developed to predict the effect of missense changes on protein structure and function outputs the following: PolyPhen-2: "Benign". The leucine amino acid residue is found in multiple mammalian species, which suggests that this missense change does not adversely affect protein function. In summary, the available evidence is currently insufficient to determine the role of this variant in disease. Therefore, it has been classified as a Variant of Uncertain Significance.